The following is an entry in ClinVar:

NM_001371395.1(USP53):c.496C>T (p.Arg166Cys)

Gene: USP53 (ubiquitin specific peptidase 53; plus strand). Cytogenetic location: 4q26.
Variant type: single nucleotide variant.
Coding change: c.496C>T on transcript NM_001371395.1 (MANE Select); coding-DNA position 496, C replaced by T.
Protein change: p.Arg166Cys; replaces arginine 166 with cysteine.
Molecular consequence: missense variant.
Genome position (GRCh38, 1-based): chr4:119,256,450, C>T. VCF-style: chr4-119256450-C-T. GRCh37 (hg19) VCF-style: chr4-120177605-C-T.
Other names: c.496C>T, p.Arg166Cys (NM_001371396.1, NM_001371397.1, NM_001371398.1 and 6 more transcripts); c.148C>T, p.Arg50Cys (NM_001389662.1, NM_001389663.1, NM_001389664.1 and 3 more transcripts); short protein forms R166C, R50C.
Identifiers: ClinVar variation 4197814 (VCV004197814.2).

ClinVar aggregate classification (germline): Uncertain significance. Review status: criteria provided, multiple submitters, no conflicts (2 of 4 stars). 2 submissions from 2 submitters: Uncertain significance (2). Last evaluated 2026-06-15.

Conditions:
USP53-related disorder. Also called: USP53-related condition.
Inborn genetic diseases. Identifiers: MedGen C0950123, MeSH D030342.

Submissions (2):

PreventionGenetics, part of Exact Sciences
Classification: Uncertain significance for USP53-related condition. Last evaluated: 2026-06-15. Review status: criteria provided, single submitter. Criteria: ACMG Guidelines, 2015. Collection method: clinical testing. Allele origin: germline.
Comment: The USP53 c.496C>T variant is predicted to result in the amino acid substitution p.Arg166Cys. To our knowledge, this variant has not been reported in the literature. This variant is reported in 0.041% of alleles in individuals of Latino descent in gnomAD. At this time, the clinical significance of this variant is uncertain due to the absence of conclusive functional and genetic evidence.

Ambry Genetics
Classification: Uncertain significance for Inborn genetic diseases. Last evaluated: 2025-06-26. Review status: criteria provided, single submitter. Criteria: Ambry Variant Classification Scheme 2023. Collection method: clinical testing. Allele origin: germline.